The following is an entry in ClinVar:

ClinVar aggregate classification (germline): Uncertain significance (1 of 4 stars; one submission).

Conditions:
Isolated microphthalmia 4. Identifiers: Orphanet 2542, MedGen C2751307, MONDO:0013130, OMIM 613094.
Microphthalmia, isolated, with coloboma 6 (MCOPCB6). Also called: Microphthalmia with coloboma 6, digenic; Microphthalmia with coloboma 6; MICROPHTHALMIA/COLOBOMA 6. Identifiers: Orphanet 98938, MedGen C3150968, MONDO:0013376, OMIM 613703.
Leber congenital amaurosis 17 (LCA17). Identifiers: Orphanet 65, MedGen C3715164, MONDO:0014145, OMIM 615360.
Klippel-Feil syndrome 1, autosomal dominant (KFS1). Also called: CERVICAL VERTEBRAL FUSION, AUTOSOMAL DOMINANT. Identifiers: Orphanet 2345, MedGen C1861689, MONDO:0007306, OMIM 118100.

Submission:

Labcorp Genetics (formerly Invitae), Labcorp
Classification: Uncertain significance for Isolated microphthalmia 4; Leber congenital amaurosis 17; Klippel-Feil syndrome 1, autosomal dominant; Microphthalmia, isolated, with coloboma 6. Last evaluated: 2022-06-13. Review status: criteria provided, single submitter. Criteria: Invitae Variant Classification Sherloc (09022015). Collection method: clinical testing. Allele origin: germline.
Comment: In summary, the available evidence is currently insufficient to determine the role of this variant in disease. Therefore, it has been classified as a Variant of Uncertain Significance. Algorithms developed to predict the effect of missense changes on protein structure and function are either unavailable or do not agree on the potential impact of this missense change (SIFT: "Deleterious"; PolyPhen-2: "Probably Damaging"; Align-GVGD: "Class C0"). This variant has not been reported in the literature in individuals affected with GDF6-related conditions. This variant is not present in population databases (gnomAD no frequency). This sequence change replaces serine, which is neutral and polar, with proline, which is neutral and non-polar, at codon 100 of the GDF6 protein (p.Ser100Pro).

NM_001001557.4(GDF6):c.298T>C (p.Ser100Pro)

Gene: GDF6 (growth differentiation factor 6; minus strand). Cytogenetic location: 8q22.1.
Variant type: single nucleotide variant.
Coding change: c.298T>C on transcript NM_001001557.4 (MANE Select); coding-DNA position 298, T replaced by C.
Protein change: p.Ser100Pro; replaces serine 100 with proline.
Molecular consequence: missense variant.
Genome position (GRCh38, 1-based): chr8:96,160,395, A>G on the plus strand (T>C on the coding strand, the complement: GDF6 is on the minus strand). VCF-style: chr8-96160395-A-G. GRCh37 (hg19) VCF-style: chr8-97172623-A-G.
Other names: short protein forms S100P.
Identifiers: ClinVar variation 1478239 (VCV001478239.8), dbSNP rs2130237604, ClinGen allele CA371753544.